The following is an entry in ClinVar:

NM_003280.3(TNNC1):c.207C>G (p.Ser69Arg)

Gene: TNNC1 (troponin C1, slow skeletal and cardiac type; minus strand). Cytogenetic location: 3p21.1.
Variant type: single nucleotide variant.
Coding change: c.207C>G on transcript NM_003280.3 (MANE Select); coding-DNA position 207, C replaced by G.
Protein change: p.Ser69Arg; replaces serine 69 with arginine.
Molecular consequence: missense variant.
Genome position (GRCh38, 1-based): chr3:52,451,854, G>C on the plus strand (C>G on the coding strand, the complement: TNNC1 is on the minus strand). VCF-style: chr3-52451854-G-C. GRCh37 (hg19) VCF-style: chr3-52485870-G-C.
Other names: c.207C>G (LRG_378t1); short protein forms S69R.
Identifiers: ClinVar variation 409876 (VCV000409876.6), dbSNP rs202173903, ClinGen allele CA16611461.

ClinVar aggregate classification (germline): Uncertain significance (1 of 4 stars; one submission).

Conditions:
Dilated cardiomyopathy 1Z (CMD1Z). Identifiers: Orphanet 154, MedGen C2678475, MONDO:0012745, OMIM 611879.
Hypertrophic cardiomyopathy 13. Also called: TNNC1-Related Familial Hypertrophic Cardiomyopathy. Identifiers: MedGen C2750472, MONDO:0013195, OMIM 613243.

Submission:

Labcorp Genetics (formerly Invitae), Labcorp
Classification: Uncertain significance for Hypertrophic cardiomyopathy 13; Dilated cardiomyopathy 1Z. Last evaluated: 2018-09-05. Review status: criteria provided, single submitter. Criteria: Invitae Variant Classification Sherloc (09022015). Collection method: clinical testing. Allele origin: germline.
Comment: Algorithms developed to predict the effect of missense changes on protein structure and function do not agree on the potential impact of this missense change (SIFT: "Deleterious"; PolyPhen-2: "Probably Damaging"; Align-GVGD: "Class C15"). This variant is not present in population databases (ExAC no frequency) and has not been reported in the literature in individuals with a TNNC1-related disease. In summary, this variant is a novel missense change with uncertain impact on protein function. It has been classified as a Variant of Uncertain Significance. This sequence change replaces serine with arginine at codon 69 of the TNNC1 protein (p.Ser69Arg). The serine residue is highly conserved and there is a moderate physicochemical difference between serine and arginine.